The following is an entry in ClinVar:

NM_014363.6(SACS):c.11688G>A (p.Arg3896=)

Gene: SACS (sacsin molecular chaperone; minus strand). Cytogenetic location: 13q12.12.
Variant type: single nucleotide variant.
Coding change: c.11688G>A on transcript NM_014363.6 (MANE Select); coding-DNA position 11688, G replaced by A.
Protein change: p.Arg3896=; no amino-acid change (arginine 3896 retained).
Molecular consequence: synonymous variant.
Genome position (GRCh38, 1-based): chr13:23,332,188, C>T on the plus strand (G>A on the coding strand, the complement: SACS is on the minus strand). VCF-style: chr13-23332188-C-T. GRCh37 (hg19) VCF-style: chr13-23906327-C-T.
Other names: p.Arg3896=; c.11247G>A, p.Arg3749= (NM_001278055.2).
Identifiers: ClinVar variation 240893 (VCV000240893.26), dbSNP rs116791509, ClinGen allele CA6910240.

ClinVar aggregate classification (germline): Conflicting classifications of pathogenicity. Review status: criteria provided, conflicting classifications (1 of 4 stars). 10 submissions from 10 submitters: Uncertain significance (1); Benign (4); Likely benign (4). 1 of the submissions does not count toward it. Last evaluated 2026-01-26.

Conditions:
SACS-related disorder. Also called: SACS-related condition.
Spastic paraplegia. Identifiers: MedGen C0037772, HP:0001258.
Hereditary spastic paraplegia. Also called: Familial spastic paraparesis. Identifiers: Orphanet 685, MedGen C0037773, MONDO:0019064. Disease mechanism: loss of function.
Charlevoix-Saguenay spastic ataxia (SACS). Also called: AUTOSOMAL RECESSIVE SPASTIC ATAXIA OF CHARLEVOIX-SAGUENAY; Spastic ataxia of Charlevoix-Saguenay; SPASTIC ATAXIA 6, AUTOSOMAL RECESSIVE. Identifiers: Orphanet 98, MedGen C1849140, MONDO:0010041, OMIM 270550.

Allele frequency attached by ClinVar (database versions not stated): gnomAD exomes 0.00098; ExAC 0.00118; gnomAD 0.00417 and 0.00448; 1000 Genomes Project 0.00419; 1000 Genomes Project 30x 0.00422; ESP Exome Variant Server 0.00454; TOPMed 0.00476.
gnomAD v4.1: 1,176 of 1,614,002 alleles (0.073%); highest among the groups gnomAD compares: African/African-American, 1.4%; 6 homozygotes.

Submissions (10):

Labcorp Genetics (formerly Invitae), Labcorp
Classification: Benign for Spastic paraplegia. Last evaluated: 2026-01-26. Review status: criteria provided, single submitter. Criteria: Invitae Variant Classification Sherloc (09022015). Collection method: clinical testing. Allele origin: germline.

PreventionGenetics, part of Exact Sciences
Classification: Benign for SACS-related condition. Last evaluated: 2025-12-19. Review status: criteria provided, single submitter. Criteria: ACMG Guidelines, 2015. Collection method: clinical testing. Allele origin: germline.
Comment: This variant is classified as benign based on ACMG/AMP sequence variant interpretation guidelines (Richards et al. 2015 PMID: 25741868, with internal and published modifications).

Blueprint Genetics
Classification: Likely benign. Last evaluated: 2024-10-23. Review status: criteria provided, single submitter. Criteria: ACMG Guidelines, 2015. Collection method: clinical testing. Allele origin: germline.

Mayo Clinic Laboratories, Mayo Clinic
Classification: Benign. Last evaluated: 2023-11-01. Review status: criteria provided, single submitter. Criteria: ACMG Guidelines, 2015. Collection method: clinical testing. Allele origin: germline. Observed: 4 variant alleles.

Genome-Nilou Lab
Classification: Likely benign for Charlevoix-Saguenay spastic ataxia. Last evaluated: 2021-09-05. Review status: criteria provided, single submitter. Criteria: ACMG Guidelines, 2015. Collection method: clinical testing. Allele origin: germline. Affected: no.

Genome Diagnostics Laboratory, The Hospital for Sick Children
Classification: Likely benign for Hereditary spastic paraplegia. Last evaluated: 2021-06-14. Review status: criteria provided, single submitter. Criteria: ACMG Guidelines, 2015. Collection method: clinical testing. Allele origin: germline. Affected: yes.

GeneDx
Classification: Likely benign. Last evaluated: 2020-12-05. Review status: criteria provided, single submitter. Criteria: GeneDx Variant Classification Process June 2021. Collection method: clinical testing. Allele origin: germline. Affected: yes.

Illumina Laboratory Services, Illumina
Classification: Uncertain significance for Charlevoix-Saguenay spastic ataxia. Last evaluated: 2018-01-13. Review status: criteria provided, single submitter. Criteria: ICSL Variant Classification Criteria 13 December 2019. Collection method: clinical testing. Allele origin: germline.

Athena Diagnostics
Classification: Benign. Last evaluated: 2016-09-09. Review status: criteria provided, single submitter. Criteria: Athena Diagnostics Criteria. Collection method: clinical testing. Allele origin: germline.

Natera, Inc.
Classification: Benign for Charlevoix-Saguenay type spastic ataxia. Last evaluated: 2020-04-17. Review status: no assertion criteria provided. Collection method: clinical testing. Allele origin: germline. Not counted in ClinVar's aggregate classification.